The following is an entry in ClinVar:

ClinVar aggregate classification (germline): Uncertain significance (1 of 4 stars; one submission).

Conditions:
Catecholaminergic polymorphic ventricular tachycardia 1. Also called: VENTRICULAR TACHYCARDIA, CATECHOLAMINERGIC POLYMORPHIC, 1, WITH OR WITHOUT ATRIAL DYSFUNCTION AND/OR DILATED CARDIOMYOPATHY; VENTRICULAR TACHYCARDIA, STRESS-INDUCED POLYMORPHIC 1; RYR2-Related Catecholaminergic Polymorphic Ventricular Tachycardia. Identifiers: Orphanet 3286, MedGen C1631597, MONDO:0011484, OMIM 604772.

Allele frequency attached by ClinVar (database versions not stated): TOPMed below 0.00001.

Submission:

Labcorp Genetics (formerly Invitae), Labcorp
Classification: Uncertain significance for Catecholaminergic polymorphic ventricular tachycardia 1. Last evaluated: 2023-11-11. Review status: criteria provided, single submitter. Criteria: Invitae Variant Classification Sherloc (09022015). Collection method: clinical testing. Allele origin: germline.
Comment: This sequence change replaces serine, which is neutral and polar, with tyrosine, which is neutral and polar, at codon 554 of the RYR2 protein (p.Ser554Tyr). This variant is not present in population databases (gnomAD no frequency). This variant has not been reported in the literature in individuals affected with RYR2-related conditions. Advanced modeling of protein sequence and biophysical properties (such as structural, functional, and spatial information, amino acid conservation, physicochemical variation, residue mobility, and thermodynamic stability) has been performed at Invitae for this missense variant, however the output from this modeling did not meet the statistical confidence thresholds required to predict the impact of this variant on RYR2 protein function. In summary, the available evidence is currently insufficient to determine the role of this variant in disease. Therefore, it has been classified as a Variant of Uncertain Significance.

NM_001035.3(RYR2):c.1661C>A (p.Ser554Tyr)

Gene: RYR2 (ryanodine receptor 2; plus strand). Cytogenetic location: 1q43.
Variant type: single nucleotide variant.
Coding change: c.1661C>A on transcript NM_001035.3 (MANE Select); coding-DNA position 1661, C replaced by A.
Protein change: p.Ser554Tyr; replaces serine 554 with tyrosine.
Molecular consequence: missense variant.
Genome position (GRCh38, 1-based): chr1:237,469,140, C>A. VCF-style: chr1-237469140-C-A. GRCh37 (hg19) VCF-style: chr1-237632440-C-A.
Other names: short protein forms S554Y.
Identifiers: ClinVar variation 2840863 (VCV002840863.3), dbSNP rs1660403568, ClinGen allele CA345383820.